The following is an entry in ClinVar:

ClinVar aggregate classification (germline): Uncertain significance. Review status: criteria provided, multiple submitters, no conflicts (2 of 4 stars). 2 submissions from 2 submitters: Uncertain significance (2). Last evaluated 2025-04-02.

Conditions:
Familial adenomatous polyposis 1 (FAP1). Also called: POLYPOSIS, ADENOMATOUS INTESTINAL; FAMILIAL ADENOMATOUS POLYPOSIS 1, ATTENUATED. Identifiers: MedGen C2713442, MONDO:0021056, OMIM 175100. Disease mechanism: loss of function.
Hereditary cancer-predisposing syndrome. Also called: Neoplastic Syndromes, Hereditary; Hereditary Cancer Syndrome; Hereditary neoplastic syndrome; Tumor predisposition. Identifiers: Orphanet 140162, MedGen C0027672, MeSH D009386, MONDO:0015356.

Submissions (2):

Labcorp Genetics (formerly Invitae), Labcorp
Classification: Uncertain significance for Familial adenomatous polyposis 1. Last evaluated: 2025-04-02. Review status: criteria provided, single submitter. Criteria: Invitae Variant Classification Sherloc (09022015). Collection method: clinical testing. Allele origin: germline.
Comment: This sequence change replaces threonine, which is neutral and polar, with asparagine, which is neutral and polar, at codon 1947 of the APC protein (p.Thr1947Asn). This variant is not present in population databases (gnomAD no frequency). This variant has not been reported in the literature in individuals affected with APC-related conditions. ClinVar contains an entry for this variant (Variation ID: 1421013). Invitae Evidence Modeling of protein sequence and biophysical properties (such as structural, functional, and spatial information, amino acid conservation, physicochemical variation, residue mobility, and thermodynamic stability) indicates that this missense variant is not expected to disrupt APC protein function with a negative predictive value of 95%. In summary, the available evidence is currently insufficient to determine the role of this variant in disease. Therefore, it has been classified as a Variant of Uncertain Significance.

Ambry Genetics
Classification: Uncertain significance for Hereditary cancer-predisposing syndrome. Last evaluated: 2024-01-06. Review status: criteria provided, single submitter. Criteria: Ambry Variant Classification Scheme 2023. Collection method: clinical testing. Allele origin: germline.
Comment: The p.T1947N variant (also known as c.5840C>A), located in coding exon 15 of the APC gene, results from a C to A substitution at nucleotide position 5840. The threonine at codon 1947 is replaced by asparagine, an amino acid with similar properties. This amino acid position is conserved. In addition, in silico predictors for this gene do not accurately predict pathogenicity. Since supporting evidence is limited at this time, the clinical significance of this alteration remains unclear.

NM_000038.6(APC):c.5840C>A (p.Thr1947Asn)

Gene: APC (APC regulator of Wnt signaling pathway; plus strand). Cytogenetic location: 5q22.2.
Variant type: single nucleotide variant.
Coding change: c.5840C>A on transcript NM_000038.6 (MANE Select); coding-DNA position 5840, C replaced by A.
Protein change: p.Thr1947Asn; replaces threonine 1947 with asparagine.
Molecular consequence: missense variant.
Genome position (GRCh38, 1-based): chr5:112,841,434, C>A. VCF-style: chr5-112841434-C-A. GRCh37 (hg19) VCF-style: chr5-112177131-C-A.
Other names: c.5840C>A (NM_000038.5); c.5840C>A, p.Thr1947Asn (NM_001127510.3, NM_001354895.2); c.5786C>A, p.Thr1929Asn (NM_001127511.3); c.5894C>A, p.Thr1965Asn (NM_001354896.2); c.5870C>A, p.Thr1957Asn (NM_001354897.2); c.5765C>A, p.Thr1922Asn (NM_001354898.2); c.5756C>A, p.Thr1919Asn (NM_001354899.2); c.5717C>A, p.Thr1906Asn (NM_001354900.2); and 6 more; short protein forms T1856N, T1919N, T1929N, T1846N, T1888N, T1906N, T1957N, T1664N.
Identifiers: ClinVar variation 1421013 (VCV001421013.9), dbSNP rs575724078, ClinGen allele CA16034104.
Genomic context (GRCh38, chr5:112,841,434, plus strand): 5'-TTCAGAAACAATCCACTTTTCCCCAGTCATCCAAAGACATACCAGACAGAGGGGCAGCAA[C>A]TGATGAAAAGTTACAGAATTTTGCTATTGAAAATACTCCGGTTTGCTTTTCTCATAATTC-3'
Protein context (NP_000029.2, residues 1937-1957): SKDIPDRGAA[Thr1947Asn]DEKLQNFAIE